The following is an entry in ClinVar:

ClinVar aggregate classification (germline): Uncertain significance (1 of 4 stars; one submission).

Conditions:
Glycogen storage disease IXd (GSD9D). Also called: GSD IXd; Muscle Phosphorylase Kinase Deficiency. Identifiers: Orphanet 715, MedGen C1845151, MONDO:0010362, OMIM 300559.

Submission:

Labcorp Genetics (formerly Invitae), Labcorp
Classification: Uncertain significance for Glycogen storage disease IXd. Last evaluated: 2024-03-09. Review status: criteria provided, single submitter. Criteria: Invitae Variant Classification Sherloc (09022015). Collection method: clinical testing. Allele origin: germline.
Comment: This sequence change replaces leucine, which is neutral and non-polar, with isoleucine, which is neutral and non-polar, at codon 893 of the PHKA1 protein (p.Leu893Ile). This variant is not present in population databases (gnomAD no frequency). This variant has not been reported in the literature in individuals affected with PHKA1-related conditions. Advanced modeling of protein sequence and biophysical properties (such as structural, functional, and spatial information, amino acid conservation, physicochemical variation, residue mobility, and thermodynamic stability) performed at Invitae indicates that this missense variant is not expected to disrupt PHKA1 protein function with a negative predictive value of 80%. In summary, the available evidence is currently insufficient to determine the role of this variant in disease. Therefore, it has been classified as a Variant of Uncertain Significance.

NM_002637.4(PHKA1):c.2677C>A (p.Leu893Ile)

Gene: PHKA1 (phosphorylase kinase regulatory subunit alpha 1; minus strand). Cytogenetic location: Xq13.1.
Variant type: single nucleotide variant.
Coding change: c.2677C>A on transcript NM_002637.4 (MANE Select); coding-DNA position 2677, C replaced by A.
Protein change: p.Leu893Ile; replaces leucine 893 with isoleucine.
Molecular consequence: missense variant.
Genome position (GRCh38, 1-based): chrX:72,605,549, G>T on the plus strand (C>A on the coding strand, the complement: PHKA1 is on the minus strand). VCF-style: chrX-72605549-G-T. GRCh37 (hg19) VCF-style: chrX-71825399-G-T.
Other names: c.2677C>A, p.Leu893Ile (NM_001122670.2, NM_001431068.1); c.2500C>A, p.Leu834Ile (NM_001172436.2); short protein forms L893I, L834I.
Identifiers: ClinVar variation 3678505 (VCV003678505.2).